The following is an entry in ClinVar:

ClinVar aggregate classification (germline): Pathogenic. Review status: criteria provided, multiple submitters, no conflicts (2 of 4 stars). 3 submissions from 3 submitters: Pathogenic (2). 1 of the submissions does not count toward it. Last evaluated 2024-10-17.

Conditions:
Neurodevelopmental disorder with hypotonia, impaired speech, and behavioral abnormalities (NEDHISB). Also called: GNAI1-Related Neurodevelopmental Disorder. Identifiers: MedGen C5676975, MONDO:0859243, OMIM 619854.
GNAI1-related disorder.
Inborn genetic diseases. Identifiers: MedGen C0950123, MeSH D030342.

Submissions (3):

Ambry Genetics
Classification: Pathogenic for Inborn genetic diseases. Last evaluated: 2024-10-17. Review status: criteria provided, single submitter. Criteria: Ambry Variant Classification Scheme 2023. Collection method: clinical testing. Allele origin: germline.
Comment: The c.809A>G (p.K270R) alteration is located in exon 7 (coding exon 7) of the GNAI1 gene. This alteration results from an A to G substitution at nucleotide position 809, causing the lysine (K) at amino acid position 270 to be replaced by an arginine (R). This variant was not reported in population-based cohorts in the Genome Aggregation Database (gnomAD). This alteration was reported as a de novo occurrence in two individuals with features consistent with GNAI1-related neurodevelopmental disorder (DECIPHER). This amino acid position is highly conserved in available vertebrate species. This missense alteration is located in a region that has a low rate of benign missense variation (Lek, 2016; Firth, 2009). This alteration is predicted to be deleterious by in silico analysis. In silico splice site analysis predicts that this alteration will result in the creation or strengthening of a novel splice acceptor site. Based on the available evidence, this alteration is classified as pathogenic.

Blueprint Genetics
Classification: Pathogenic for GNAI1-related disorders. Last evaluated: 2022-06-02. Review status: criteria provided, single submitter. Criteria: ACMG Guidelines, 2015. Collection method: clinical testing. Allele origin: germline. Affected: yes. Observed: 1 variant allele.

OMIM
Classification: Pathogenic for NEURODEVELOPMENTAL DISORDER WITH HYPOTONIA, IMPAIRED SPEECH, AND BEHAVIORAL ABNORMALITIES. Last evaluated: 2022-05-02. Review status: no assertion criteria provided. Collection method: literature only. Allele origin: germline. Not counted in ClinVar's aggregate classification.

Literature cited by the submitters: PubMed 33473207 (cited by OMIM).

NM_002069.6(GNAI1):c.809A>G (p.Lys270Arg)

Gene: GNAI1 (G protein subunit alpha i1; plus strand). Cytogenetic location: 7q21.11.
Variant type: single nucleotide variant.
Coding change: c.809A>G on transcript NM_002069.6 (MANE Select); coding-DNA position 809, A replaced by G.
Protein change: p.Lys270Arg; replaces lysine 270 with arginine.
Molecular consequence: missense variant.
Genome position (GRCh38, 1-based): chr7:80,212,804, A>G. VCF-style: chr7-80212804-A-G. GRCh37 (hg19) VCF-style: chr7-79842120-A-G.
Other names: c.653A>G, p.Lys218Arg (NM_001256414.2); short protein forms K270R, K218R.
Identifiers: ClinVar variation 1686919 (VCV001686919.3), dbSNP rs2115712676, ClinGen allele CA368013070.